The following is an entry in ClinVar:

ClinVar aggregate classification (germline): Uncertain significance. Review status: criteria provided, multiple submitters, no conflicts (2 of 4 stars). 2 submissions from 2 submitters: Uncertain significance (2). Last evaluated 2021-08-31.

Conditions:
Nemaline myopathy 8 (NEM8). Also called: Nemaline myopathy 8, autosomal recessive. Identifiers: Orphanet 171430, MedGen C3809209, MONDO:0014138, OMIM 615348.

Allele frequency attached by ClinVar (database versions not stated): TOPMed 0.00002; gnomAD 0.00004 and 0.00005; gnomAD exomes 0.00004 and 0.00009; ExAC 0.00011; ESP Exome Variant Server 0.00015; 1000 Genomes Project 30x 0.00016; 1000 Genomes Project 0.00020.
gnomAD v4.1: 71 of 1,612,144 alleles (0.0044%); highest among the groups gnomAD compares: South Asian, 0.044%; 1 homozygote.

Submissions (2):

Labcorp Genetics (formerly Invitae), Labcorp
Classification: Uncertain significance for Nemaline myopathy 8. Last evaluated: 2021-08-31. Review status: criteria provided, single submitter. Criteria: Invitae Variant Classification Sherloc (09022015). Collection method: clinical testing. Allele origin: germline.
Comment: This sequence change replaces arginine with glutamine at codon 612 of the KLHL40 protein (p.Arg612Gln). The arginine residue is moderately conserved and there is a small physicochemical difference between arginine and glutamine. This variant is present in population databases (rs143516959, ExAC 0.06%). This variant has not been reported in the literature in individuals affected with KLHL40-related conditions. Algorithms developed to predict the effect of missense changes on protein structure and function are either unavailable or do not agree on the potential impact of this missense change (SIFT: "Deleterious"; PolyPhen-2: "Probably Damaging"; Align-GVGD: "Class C0"). Algorithms developed to predict the effect of sequence changes on RNA splicing suggest that this variant may create or strengthen a splice site. In summary, the available evidence is currently insufficient to determine the role of this variant in disease. Therefore, it has been classified as a Variant of Uncertain Significance.

GeneDx
Classification: Uncertain significance. Last evaluated: 2019-08-29. Review status: criteria provided, single submitter. Criteria: GeneDx Variant Classification Process June 2021. Collection method: clinical testing. Allele origin: germline. Affected: yes.
Comment: In silico analysis, which includes protein predictors and evolutionary conservation, supports that this variant does not alter protein structure/function; Has not been previously published as pathogenic or benign to our knowledge

NM_152393.4(KLHL40):c.1835G>A (p.Arg612Gln)

Gene: KLHL40 (kelch like family member 40; plus strand). Cytogenetic location: 3p22.1.
Variant type: single nucleotide variant.
Coding change: c.1835G>A on transcript NM_152393.4 (MANE Select); coding-DNA position 1835, G replaced by A.
Protein change: p.Arg612Gln; replaces arginine 612 with glutamine.
Molecular consequence: missense variant.
Genome position (GRCh38, 1-based): chr3:42,691,962, G>A. VCF-style: chr3-42691962-G-A. GRCh37 (hg19) VCF-style: chr3-42733454-G-A.
Other names: short protein forms R612Q.
Identifiers: ClinVar variation 1003662 (VCV001003662.4), dbSNP rs143516959, ClinGen allele CA2337113.
Genomic context (GRCh38, chr3:42,691,962, plus strand): 5'-AATGGGAGGGTGTCCTGCGGGAGATCGCCTATGCAGCAGGTGCCACCTTCCTACCAGTGC[G>A]GCTCAATGTGCTGTGCCTGACTAAGATGTGACCAGCTCAGGCAGACTGAACTAAGCACCC-3'
Protein context (NP_689606.2, residues 602-621): YAAGATFLPV[Arg612Gln]LNVLCLTKM